The following is an entry in ClinVar:

NM_003060.4(SLC22A5):c.652+272G>A

Gene: SLC22A5 (solute carrier family 22 member 5; plus strand). Cytogenetic location: 5q31.1.
Variant type: single nucleotide variant.
Coding change: c.652+272G>A on transcript NM_003060.4 (MANE Select); 272 bases into the intron after coding-DNA position 652, G replaced by A.
Molecular consequence: intron variant.
Genome position (GRCh38, 1-based): chr5:132,384,573, G>A. VCF-style: chr5-132384573-G-A. GRCh37 (hg19) VCF-style: chr5-131720265-G-A.
Other names: c.724+272G>A (NM_001308122.2).
Identifiers: ClinVar variation 667491 (VCV000667491.1), dbSNP rs635619, ClinGen allele CA12075125.

ClinVar aggregate classification (germline): Benign (1 of 4 stars; one submission).

Allele frequency attached by ClinVar (database versions not stated): TOPMed 0.26300; gnomAD 0.27319 and 0.28592; 1000 Genomes Project 30x 0.31574; 1000 Genomes Project 0.32248.

Submission:

GeneDx
Classification: Benign. Last evaluated: 2018-06-14. Review status: criteria provided, single submitter. Criteria: GeneDx Variant Classification (06012015). Collection method: clinical testing. Allele origin: germline. Affected: yes.
Comment: This variant is considered likely benign or benign based on one or more of the following criteria: it is a conservative change, it occurs at a poorly conserved position in the protein, it is predicted to be benign by multiple in silico algorithms, and/or has population frequency not consistent with disease.